The following is an entry in ClinVar:

NM_020207.7(ERCC6L2):c.1565A>G (p.Lys522Arg)

Gene: ERCC6L2 (ERCC excision repair 6 like 2; plus strand). Cytogenetic location: 9q22.32.
Variant type: single nucleotide variant.
Coding change: c.1565A>G on transcript NM_020207.7 (MANE Select); coding-DNA position 1565, A replaced by G.
Protein change: p.Lys522Arg; replaces lysine 522 with arginine.
Molecular consequence: missense variant. On other transcripts: non-coding transcript variant (1).
Genome position (GRCh38, 1-based): chr9:95,928,110, A>G. VCF-style: chr9-95928110-A-G. GRCh37 (hg19) VCF-style: chr9-98690392-A-G.
Other names: c.1565A>G, p.Lys522Arg (NM_001010895.4, NM_001375291.1, NM_001375292.1 and 2 more transcripts); short protein forms K522R.
Identifiers: ClinVar variation 3679938 (VCV003679938.3).
Genomic context (GRCh38, chr9:95,928,110, plus strand): 5'-TTCACTGATTTTCTGTGGTTCATTTTCAGGTCCTTCAGCAGCTTTTAAATCATTGCAGGA[A>G]AAACAGAGATAAAGTTCTTCTCTTTTCTTTTTCCACCAAGGTGAGTTCATCTAAAGTATA-3'
Protein context (NP_064592.3, residues 512-532): VLQQLLNHCR[Lys522Arg]NRDKVLLFSF

ClinVar aggregate classification (germline): Uncertain significance. Review status: criteria provided, multiple submitters, no conflicts (2 of 4 stars). 2 submissions from 2 submitters: Uncertain significance (2). Last evaluated 2025-01-19.

Conditions:
Inborn genetic diseases. Identifiers: MedGen C0950123, MeSH D030342.

gnomAD v4.1: 1 of 1,613,114 alleles (0.000062%); highest among the groups gnomAD compares: Non-Finnish European, 0.000085%; no homozygotes.

Submissions (2):

Ambry Genetics
Classification: Uncertain significance for Inborn genetic diseases. Last evaluated: 2025-01-19. Review status: criteria provided, single submitter. Criteria: Ambry Variant Classification Scheme 2023. Collection method: clinical testing. Allele origin: germline.
Comment: The p.K522R variant (also known as c.1565A>G), located in coding exon 10 of the ERCC6L2 gene, results from an A to G substitution at nucleotide position 1565. The lysine at codon 522 is replaced by arginine, an amino acid with highly similar properties. This amino acid position is conserved. In addition, this alteration is predicted to be tolerated by in silico analysis. Based on the available evidence, the clinical significance of this variant remains unclear.

Labcorp Genetics (formerly Invitae), Labcorp
Classification: Uncertain significance. Last evaluated: 2024-02-02. Review status: criteria provided, single submitter. Criteria: Invitae Variant Classification Sherloc (09022015). Collection method: clinical testing. Allele origin: germline.
Comment: This sequence change replaces lysine, which is basic and polar, with arginine, which is basic and polar, at codon 533 of the ERCC6L2 protein (p.Lys533Arg). This variant is present in population databases (no rsID available, gnomAD 0.007%). This variant has not been reported in the literature in individuals affected with ERCC6L2-related conditions. Experimental studies and prediction algorithms are not available or were not evaluated, and the functional significance of this variant is currently unknown. In summary, the available evidence is currently insufficient to determine the role of this variant in disease. Therefore, it has been classified as a Variant of Uncertain Significance.